The following is an entry in ClinVar:

NM_020987.5(ANK3):c.7180G>A (p.Glu2394Lys)

Gene: ANK3 (ankyrin 3; minus strand). Cytogenetic location: 10q21.2.
Variant type: single nucleotide variant.
Coding change: c.7180G>A on transcript NM_020987.5 (MANE Select); coding-DNA position 7180, G replaced by A.
Protein change: p.Glu2394Lys; replaces glutamic acid 2394 with lysine.
Molecular consequence: missense variant. On other transcripts: intron variant (4).
Genome position (GRCh38, 1-based): chr10:60,073,701, C>T on the plus strand (G>A on the coding strand, the complement: ANK3 is on the minus strand). VCF-style: chr10-60073701-C-T. GRCh37 (hg19) VCF-style: chr10-61833459-C-T.
Other names: c.4388-5692G>A (NM_001204403.2); c.4409-5692G>A (NM_001204404.2); c.4406-5692G>A (NM_001320874.2); c.1808-5692G>A (NM_001149.4); short protein forms E2394K.
Identifiers: ClinVar variation 3648506 (VCV003648506.2).

ClinVar aggregate classification (germline): Uncertain significance (1 of 4 stars; one submission).

Submission:

Labcorp Genetics (formerly Invitae), Labcorp
Classification: Uncertain significance. Last evaluated: 2025-10-02. Review status: criteria provided, single submitter. Criteria: Invitae Variant Classification Sherloc (09022015). Collection method: clinical testing. Allele origin: germline.
Comment: This sequence change replaces glutamic acid, which is acidic and polar, with lysine, which is basic and polar, at codon 2394 of the ANK3 protein (p.Glu2394Lys). This variant is not present in population databases (gnomAD no frequency). This variant has not been reported in the literature in individuals affected with ANK3-related conditions. ClinVar contains an entry for this variant (Variation ID: 3648506). Invitae Evidence Modeling of protein sequence and biophysical properties (such as structural, functional, and spatial information, amino acid conservation, physicochemical variation, residue mobility, and thermodynamic stability) has been performed for this missense variant. However, the output from this modeling did not meet the statistical confidence thresholds required to predict the impact of this variant on ANK3 protein function. In summary, the available evidence is currently insufficient to determine the role of this variant in disease. Therefore, it has been classified as a Variant of Uncertain Significance.